The following is an entry in ClinVar:

ClinVar aggregate classification (germline): Likely benign. Review status: criteria provided, multiple submitters, no conflicts (2 of 4 stars). 5 submissions from 5 submitters: Likely benign (4). 1 of the submissions does not count toward it. Last evaluated 2024-11-13.

Conditions:
WASHC4-related disorder. Also called: WASHC4-related condition.

Allele frequency attached by ClinVar (database versions not stated): gnomAD exomes 0.00017 and 0.00043; ExAC 0.00052; 1000 Genomes Project 0.00160; 1000 Genomes Project 30x 0.00172; gnomAD 0.00174 and 0.00186; ESP Exome Variant Server 0.00203; TOPMed 0.00211.
gnomAD v4.1: 511 of 1,612,908 alleles (0.032%); highest among the groups gnomAD compares: African/African-American, 0.63%; 5 homozygotes.

Submissions (5):

Blueprint Genetics
Classification: Likely benign. Last evaluated: 2024-11-13. Review status: criteria provided, single submitter. Criteria: ACMG Guidelines, 2015. Collection method: clinical testing. Allele origin: germline.

Labcorp Genetics (formerly Invitae), Labcorp
Classification: Likely benign. Last evaluated: 2019-12-31. Review status: criteria provided, single submitter. Criteria: Invitae Variant Classification Sherloc (09022015). Collection method: clinical testing. Allele origin: germline.

Genetic Services Laboratory, University of Chicago
Classification: Likely benign. Last evaluated: 2016-04-25. Review status: criteria provided, single submitter. Criteria: ACMG Guidelines, 2015. Collection method: clinical testing. Allele origin: germline. Affected: no.

Breakthrough Genomics
Classification: Likely benign. Review status: criteria provided, single submitter. Criteria: ACMG Guidelines, 2015. Collection method: not provided. Allele origin: germline. Inheritance: Autosomal recessive inheritance. Affected: yes.

PreventionGenetics, part of Exact Sciences
Classification: Likely benign for WASHC4-related condition. Last evaluated: 2019-06-07. Review status: no assertion criteria provided. Collection method: clinical testing. Allele origin: germline. Not counted in ClinVar's aggregate classification.
Comment: This variant is classified as likely benign based on ACMG/AMP sequence variant interpretation guidelines (Richards et al. 2015 PMID: 25741868, with internal and published modifications).

NM_015275.3(WASHC4):c.866C>T (p.Ala289Val)

Gene: WASHC4 (WASH complex subunit 4; plus strand). Cytogenetic location: 12q23.3.
Variant type: single nucleotide variant.
Coding change: c.866C>T on transcript NM_015275.3 (MANE Select); coding-DNA position 866, C replaced by T.
Protein change: p.Ala289Val; replaces alanine 289 with valine.
Molecular consequence: missense variant.
Genome position (GRCh38, 1-based): chr12:105,126,083, C>T. VCF-style: chr12-105126083-C-T. GRCh37 (hg19) VCF-style: chr12-105519861-C-T.
Other names: c.866C>T, p.Ala289Val (NM_001293640.2); short protein forms A289V.
Identifiers: ClinVar variation 435575 (VCV000435575.14), dbSNP rs200763691, ClinGen allele CA6758463.